The following is an entry in ClinVar:

NM_032119.4(ADGRV1):c.15583_15596del (p.Leu5195fs)

Gene: ADGRV1 (adhesion G protein-coupled receptor V1; plus strand). Cytogenetic location: 5q14.3.
Variant type: Deletion.
Coding change: c.15583_15596del on transcript NM_032119.4 (MANE Select); coding-DNA positions 15583 to 15596, 14 bases deleted (CTTCATGGCACACC).
Protein change: p.Leu5195fs; shifts the reading frame from leucine 5195.
Molecular consequence: frameshift variant. On other transcripts: non-coding transcript variant (1).
Genome position (GRCh38, 1-based): chr5:90,810,843-90,810,856, CTTCATGGCACACC deleted; deleting any 14 consecutive bases within chr5:90,810,839-90,810,856 gives the same sequence; the c. name uses the placement nearest the transcript's 3' end. VCF-style (leftmost placement, unchanged base first): chr5-90810838-TCACCCTTCATGGCA-T. GRCh37 (hg19) VCF-style: chr5-90106655-TCACCCTTCATGGCA-T.
Other names: short protein forms L5195fs.
Identifiers: ClinVar variation 2771292 (VCV002771292.3), dbSNP rs2532188512, ClinGen allele CA2697546363.
Genomic context (GRCh38, chr5:90,810,838, plus strand): 5'-CCAACGTGGTTGCCATTGTTACTGAGGCAACTGGTGTATCTGCCATCCCTGAGAAACTTG[TCACCCTTCATGGCA>T]CACCTGCTGTGTCTGAAAAGCCTGATGTGGCCACTGTAACTGCCAATGTTTCCATTCATG-3'

ClinVar aggregate classification (germline): Pathogenic (1 of 4 stars; one submission).

Submission:

Labcorp Genetics (formerly Invitae), Labcorp
Classification: Pathogenic. Last evaluated: 2023-10-23. Review status: criteria provided, single submitter. Criteria: Invitae Variant Classification Sherloc (09022015). Collection method: clinical testing. Allele origin: germline.
Comment: This sequence change creates a premature translational stop signal (p.Leu5195Cysfs*4) in the ADGRV1 gene. It is expected to result in an absent or disrupted protein product. Loss-of-function variants in ADGRV1 are known to be pathogenic (PMID: 19357117, 22135276, 22147658, 26226137, 30718709, 31047384, 32467589). This variant is not present in population databases (gnomAD no frequency). This variant has not been reported in the literature in individuals affected with ADGRV1-related conditions. For these reasons, this variant has been classified as Pathogenic.

Literature cited by the submitters: PubMed 19357117; PubMed 22135276; PubMed 22147658; PubMed 26226137; PubMed 30718709; PubMed 31047384; PubMed 32467589.